The following is an entry in ClinVar:

ClinVar aggregate classification (germline): Uncertain significance (1 of 4 stars; one submission).

Conditions:
Gastrointestinal stromal tumor. Also called: Gastrointestinal stroma tumor; Gastrointestinal stromal tumor, somatic. Identifiers: Orphanet 44890, MedGen C0238198, MeSH D046152, MONDO:0011719, OMIM 606764, HP:0100723.

Submission:

Labcorp Genetics (formerly Invitae), Labcorp
Classification: Uncertain significance for Gastrointestinal stromal tumor. Last evaluated: 2021-03-14. Review status: criteria provided, single submitter. Criteria: Invitae Variant Classification Sherloc (09022015). Collection method: clinical testing. Allele origin: germline.
Comment: This variant is not present in population databases (ExAC no frequency). In summary, the available evidence is currently insufficient to determine the role of this variant in disease. Therefore, it has been classified as a Variant of Uncertain Significance. Algorithms developed to predict the effect of missense changes on protein structure and function are either unavailable or do not agree on the potential impact of this missense change (SIFT: "Deleterious"; PolyPhen-2: "Probably Damaging"; Align-GVGD: "Class C0"). This variant has not been reported in the literature in individuals with PDGFRA-related conditions. This sequence change replaces proline with glutamine at codon 698 of the PDGFRA protein (p.Pro698Gln). The proline residue is highly conserved and there is a moderate physicochemical difference between proline and glutamine.

NM_006206.6(PDGFRA):c.2093C>A (p.Pro698Gln)

Gene: PDGFRA (platelet derived growth factor receptor alpha; plus strand). Cytogenetic location: 4q12.
Variant type: single nucleotide variant.
Coding change: c.2093C>A on transcript NM_006206.6 (MANE Select); coding-DNA position 2093, C replaced by A.
Protein change: p.Pro698Gln; replaces proline 698 with glutamine.
Molecular consequence: missense variant.
Genome position (GRCh38, 1-based): chr4:54,278,452, C>A. VCF-style: chr4-54278452-C-A. GRCh37 (hg19) VCF-style: chr4-55144619-C-A.
Other names: c.2093C>A, p.Pro698Gln (NM_001347827.2, NM_001347829.2); c.2168C>A, p.Pro723Gln (NM_001347828.2); c.2132C>A, p.Pro711Gln (NM_001347830.2); short protein forms P711Q, P698Q, P723Q.
Identifiers: ClinVar variation 1378971 (VCV001378971.8), dbSNP rs2110316097, ClinGen allele CA356894031.
Genomic context (GRCh38, chr4:54,278,452, plus strand): 5'-TCTATGGAGATTTGGTCAACTATTTGCATAAGAATAGGGATAGCTTCCTGAGCCACCACC[C>A]AGAGAAGCCAAAGAAAGAGCTGGATATCTTTGGATTGAACCCTGCTGATGAAAGCACACG-3'
Protein context (NP_006197.1, residues 688-708): KNRDSFLSHH[Pro698Gln]EKPKKELDIF